The following is an entry in ClinVar:

NM_000160.5(GCGR):c.1234C>T (p.Arg412Trp)

Gene: GCGR (glucagon receptor; plus strand). Cytogenetic location: 17q25.3.
Variant type: single nucleotide variant.
Coding change: c.1234C>T on transcript NM_000160.5 (MANE Select); coding-DNA position 1234, C replaced by T.
Protein change: p.Arg412Trp; replaces arginine 412 with tryptophan.
Molecular consequence: missense variant.
Genome position (GRCh38, 1-based): chr17:81,813,489, C>T. VCF-style: chr17-81813489-C-T. GRCh37 (hg19) VCF-style: chr17-79771365-C-T.
Other names: short protein forms R412W.
Identifiers: ClinVar variation 4737256 (VCV004737256.1).
Genomic context (GRCh38, chr17:81,813,489, plus strand): 5'-GGACAGGCAGGCCCTAGGACTGGCCTGCCCCGTCCCCCTCCCCAGGTGCAGTCGGAGCTG[C>T]GGCGGCGTTGGCACCGCTGGCGCCTGGGCAAAGTGCTATGGGAGGAGCGGAACACCAGCA-3'
Protein context (NP_000151.1, residues 402-422): FLNKEVQSEL[Arg412Trp]RRWHRWRLGK

ClinVar aggregate classification (germline): Uncertain significance (1 of 4 stars; one submission).

gnomAD v4.1: 72 of 1,535,112 alleles (0.0047%); highest among the groups gnomAD compares: African/African-American, 0.015%; no homozygotes.

Submission:

Labcorp Genetics (formerly Invitae), Labcorp
Classification: Uncertain significance. Last evaluated: 2025-02-10. Review status: criteria provided, single submitter. Criteria: Invitae Variant Classification Sherloc (09022015). Collection method: clinical testing. Allele origin: germline.
Comment: This sequence change replaces arginine, which is basic and polar, with tryptophan, which is neutral and slightly polar, at codon 412 of the GCGR protein (p.Arg412Trp). This variant is present in population databases (rs552133484, gnomAD 0.01%). This missense change has been observed in individual(s) with clinical features of GCGR-related conditions (PMID: 35982159). An algorithm developed to predict the effect of missense changes on protein structure and function outputs the following: PolyPhen-2: "Benign". The tryptophan amino acid residue is found in multiple mammalian species, which suggests that this missense change does not adversely affect protein function. In summary, the available evidence is currently insufficient to determine the role of this variant in disease. Therefore, it has been classified as a Variant of Uncertain Significance.

Literature cited by the submitters: PubMed 35982159.